The following is an entry in ClinVar:

NM_001267550.2(TTN):c.61813A>G (p.Ile20605Val)

Genes: TTN (titin; minus strand), TTN-AS1 (TTN antisense RNA 1; plus strand). Cytogenetic location: 2q31.2.
Variant type: single nucleotide variant.
Coding change: c.61813A>G on transcript NM_001267550.2 (MANE Select); coding-DNA position 61813, A replaced by G.
Protein change: p.Ile20605Val; replaces isoleucine 20605 with valine.
Molecular consequence: missense variant.
Genome position (GRCh38, 1-based): chr2:178,589,912, T>C on the plus strand (A>G on the coding strand, the complement: TTN is on the minus strand). VCF-style: chr2-178589912-T-C. GRCh37 (hg19) VCF-style: chr2-179454639-T-C.
Other names: c.56890A>G, p.Ile18964Val (NM_001256850.1); c.34618A>G, p.Ile11540Val (NM_003319.4); c.54109A>G, p.Ile18037Val (NM_133378.4); c.34993A>G, p.Ile11665Val (NM_133432.3); c.35194A>G, p.Ile11732Val (NM_133437.4); short protein forms I11540V, I11732V, I18964V, I11665V, I18037V, I20605V.
Identifiers: ClinVar variation 1502980 (VCV001502980.13), dbSNP rs759096564, ClinGen allele CA1992306.

ClinVar aggregate classification (germline): Conflicting classifications of pathogenicity. Review status: criteria provided, conflicting classifications (1 of 4 stars). 4 submissions from 4 submitters: Likely pathogenic (1); Uncertain significance (3). Last evaluated 2026-01-26.

Conditions:
Autosomal recessive limb-girdle muscular dystrophy type 2J (LGMDR10). Also called: MUSCULAR DYSTROPHY, LIMB-GIRDLE, AUTOSOMAL RECESSIVE 10; Limb-girdle muscular dystrophy, type 2J. Identifiers: Orphanet 140922, MedGen C1837342, MONDO:0012127, OMIM 608807.
TTN-related disorder. Also called: TTN-related condition; TTN-related disease; TTN-related disorders.
Dilated cardiomyopathy 1G (CMD1G). Identifiers: Orphanet 154, MedGen C1858763, MONDO:0011400, OMIM 604145.

Allele frequency attached by ClinVar (database versions not stated): ExAC 0.00001; gnomAD exomes 0.00001.
gnomAD v4.1: 12 of 1,613,358 alleles (0.00074%); highest among the groups gnomAD compares: South Asian, 0.0044%; no homozygotes.

Submissions (4):

Labcorp Genetics (formerly Invitae), Labcorp
Classification: Uncertain significance for Dilated cardiomyopathy 1G; Autosomal recessive limb-girdle muscular dystrophy type 2J. Last evaluated: 2026-01-26. Review status: criteria provided, single submitter. Criteria: Invitae Variant Classification Sherloc (09022015). Collection method: clinical testing. Allele origin: germline.
Comment: This sequence change replaces isoleucine, which is neutral and non-polar, with valine, which is neutral and non-polar, at codon 20605 of the TTN protein (p.Ile20605Val). This variant is present in population databases (rs759096564, gnomAD 0.006%). This missense change has been observed in individual(s) with distal myopathy (PMID: 28295036). In at least one individual the data is consistent with being in trans (on the opposite chromosome) from a pathogenic variant. ClinVar contains an entry for this variant (Variation ID: 1502980). Experimental studies and prediction algorithms are not available or were not evaluated, and the functional significance of this variant is currently unknown. This variant is located in the A band of TTN (PMID: 25589632). Variants in this region may be relevant for cardiac or neuromuscular disorders (PMID: 25589632, 23975875). In summary, the available evidence is currently insufficient to determine the role of this variant in disease. Therefore, it has been classified as a Variant of Uncertain Significance.

Institute of Human Genetics Munich, TUM University Hospital
Classification: Likely pathogenic for Autosomal recessive limb-girdle muscular dystrophy type 2J. Last evaluated: 2024-05-08. Review status: criteria provided, single submitter. Criteria: Classification criteria August 2017. Collection method: clinical testing. Allele origin: paternal. Inheritance: Autosomal recessive inheritance. Affected: yes. Observed: 1 variant allele.

Blueprint Genetics
Classification: Uncertain significance. Last evaluated: 2023-10-24. Review status: criteria provided, single submitter. Criteria: ACMG Guidelines, 2015. Collection method: clinical testing. Allele origin: germline.

PreventionGenetics, part of Exact Sciences
Classification: Uncertain significance for TTN-related condition. Last evaluated: 2023-07-20. Review status: criteria provided, single submitter. Criteria: ACMG Guidelines, 2015. Collection method: clinical testing. Allele origin: germline.
Comment: The TTN c.61813A>G variant is predicted to result in the amino acid substitution p.Ile20605Val. This variant was reported in the compound heterozygous state with a TTN nonsense variant in a patient with TTN-related myopathy (Perić et al 2017. PubMed ID: 28295036). This variant is reported in 0.0065% of alleles in individuals of South Asian descent in gnomAD. At this time, the clinical significance of this variant is uncertain due to the absence of conclusive functional and genetic evidence.

Literature cited by the submitters: PubMed 28295036 (cited by Labcorp Genetics (formerly Invitae), Labcorp); PubMed 25589632 (cited by Labcorp Genetics (formerly Invitae), Labcorp); PubMed 23975875 (cited by Labcorp Genetics (formerly Invitae), Labcorp).